The following is an entry in ClinVar:

NM_005751.5(AKAP9):c.485G>C (p.Ser162Thr)

Gene: AKAP9 (A-kinase anchoring protein 9; plus strand). Cytogenetic location: 7q21.2.
Variant type: single nucleotide variant.
Coding change: c.485G>C on transcript NM_005751.5 (MANE Select); coding-DNA position 485, G replaced by C.
Protein change: p.Ser162Thr; replaces serine 162 with threonine.
Molecular consequence: missense variant.
Genome position (GRCh38, 1-based): chr7:91,992,964, G>C. VCF-style: chr7-91992964-G-C. GRCh37 (hg19) VCF-style: chr7-91622278-G-C.
Other names: c.485G>C, p.Ser162Thr (NM_147185.3); short protein forms S162T.
Identifiers: ClinVar variation 457105 (VCV000457105.10), dbSNP rs759783541, ClinGen allele CA4335830.

ClinVar aggregate classification (germline): Uncertain significance. Review status: criteria provided, multiple submitters, no conflicts (2 of 4 stars). 2 submissions from 2 submitters: Uncertain significance (2). Last evaluated 2025-07-31.

Conditions:
Cardiovascular phenotype. Identifiers: MedGen CN230736.
Long QT syndrome (LQTS). Identifiers: MedGen C0023976, MeSH D008133, MONDO:0002442. Disease mechanism: loss of function. Inheritance: Various modes of inheritance.

Allele frequency attached by ClinVar (database versions not stated): ExAC 0.00002.
gnomAD v4.1: 16 of 1,614,132 alleles (0.00099%); highest among the groups gnomAD compares: Admixed American, 0.013%; no homozygotes.

Submissions (2):

Labcorp Genetics (formerly Invitae), Labcorp
Classification: Uncertain significance for Long QT syndrome. Last evaluated: 2025-07-31. Review status: criteria provided, single submitter. Criteria: Invitae Variant Classification Sherloc (09022015). Collection method: clinical testing. Allele origin: germline.
Comment: This sequence change replaces serine, which is neutral and polar, with threonine, which is neutral and polar, at codon 162 of the AKAP9 protein (p.Ser162Thr). This variant is present in population databases (rs759783541, gnomAD 0.02%). This variant has not been reported in the literature in individuals affected with AKAP9-related conditions. ClinVar contains an entry for this variant (Variation ID: 457105). An algorithm developed to predict the effect of missense changes on protein structure and function outputs the following: PolyPhen-2: "Benign". The threonine amino acid residue is found in multiple mammalian species, which suggests that this missense change does not adversely affect protein function. In summary, the available evidence is currently insufficient to determine the role of this variant in disease. Therefore, it has been classified as a Variant of Uncertain Significance.

Ambry Genetics
Classification: Uncertain significance for Cardiovascular phenotype. Last evaluated: 2020-11-06. Review status: criteria provided, single submitter. Criteria: Ambry Variant Classification Scheme 2023. Collection method: clinical testing. Allele origin: germline.
Comment: The p.S162T variant (also known as c.485G>C), located in coding exon 5 of the AKAP9 gene, results from a G to C substitution at nucleotide position 485. The serine at codon 162 is replaced by threonine, an amino acid with similar properties. This amino acid position is poorly conserved in available vertebrate species. In addition, this alteration is predicted to be tolerated by in silico analysis. Since supporting evidence is limited at this time, the clinical significance of this alteration remains unclear.